The following is an entry in ClinVar:

ClinVar aggregate classification (germline): Uncertain significance (1 of 4 stars; one submission).

Conditions:
Nicolaides-Baraitser syndrome (NCBRS). Also called: SMARCA2-Related Nicolaides-Baraitser Syndrome; Intellectual disability-sparse hair-brachydactyly syndrome. Identifiers: Orphanet 3051, MedGen C1303073, MONDO:0011053, OMIM 601358.
Blepharophimosis-impaired intellectual development syndrome. Identifiers: Orphanet 637013, MedGen C5443984, MONDO:0859139, OMIM 619293.

gnomAD v4.1: 4 of 1,513,514 alleles (0.00026%); highest among the groups gnomAD compares: Non-Finnish European, 0.00037%; no homozygotes.

Submission:

Juno Genomics, Hangzhou Juno Genomics, Inc
Classification: Uncertain significance for Blepharophimosis-impaired intellectual development syndrome; Nicolaides-Baraitser syndrome. Review status: criteria provided, single submitter. Criteria: ACMG Guidelines, 2015. Collection method: clinical testing. Allele origin: germline.
Comment: Absent from controls (or at extremely low frequency if recessive) in Genome Aggregation Database.;Missense variant in a gene that has a low rate of benign missense variation.

NM_003070.5(SMARCA2):c.4339G>A (p.Val1447Met)

Gene: SMARCA2 (SWI/SNF related BAF chromatin remodeling complex subunit ATPase 2; plus strand). Cytogenetic location: 9p24.3.
Variant type: single nucleotide variant.
Coding change: c.4339G>A on transcript NM_003070.5 (MANE Select); coding-DNA position 4339, G replaced by A.
Protein change: p.Val1447Met; replaces valine 1447 with methionine.
Molecular consequence: missense variant.
Genome position (GRCh38, 1-based): chr9:2,181,656, G>A. VCF-style: chr9-2181656-G-A. GRCh37 (hg19) VCF-style: chr9-2181656-G-A.
Other names: c.4339G>A, p.Val1447Met (NM_001289396.2); c.4111G>A, p.Val1371Met (NM_001289397.2); c.313G>A, p.Val105Met (NM_001289398.2); c.397G>A, p.Val133Met (NM_001289399.2); c.403G>A, p.Val135Met (NM_001289400.2); c.4285G>A, p.Val1429Met (NM_139045.4); short protein forms V105M, V133M, V135M, V1371M, V1429M, V1447M.
Identifiers: ClinVar variation 5019743 (VCV005019743.2).
Genomic context (GRCh38, chr9:2,181,656, plus strand): 5'-TTCATTCAGTTACCTTCAAGGAAAGAATTACCAGAATACTATGAATTAATTAGGAAGCCA[G>A]TGGATTTCAAAAAAATAAAGGTAGATATTTTGTTTACCAACTTTATTCTTCAAGTAAATA-3'
Protein context (NP_003061.3, residues 1437-1457): PEYYELIRKP[Val1447Met]DFKKIKERIR